The following is an entry in ClinVar:

ClinVar aggregate classification (germline): Uncertain significance. Review status: criteria provided, multiple submitters, no conflicts (2 of 4 stars). 2 submissions from 2 submitters: Uncertain significance (2). Last evaluated 2025-08-27.

Conditions:
Inborn genetic diseases. Identifiers: MedGen C0950123, MeSH D030342.

gnomAD v4.1: 6 of 1,613,686 alleles (0.00037%); highest among the groups gnomAD compares: East Asian, 0.0022%; no homozygotes.

Submissions (2):

Ambry Genetics
Classification: Uncertain significance for Inborn genetic diseases. Last evaluated: 2025-08-27. Review status: criteria provided, single submitter. Criteria: Ambry Variant Classification Scheme 2023. Collection method: clinical testing. Allele origin: germline.

Labcorp Genetics (formerly Invitae), Labcorp
Classification: Uncertain significance. Last evaluated: 2025-02-13. Review status: criteria provided, single submitter. Criteria: Invitae Variant Classification Sherloc (09022015). Collection method: clinical testing. Allele origin: germline.
Comment: This sequence change replaces threonine, which is neutral and polar, with methionine, which is neutral and non-polar, at codon 371 of the CLCN7 protein (p.Thr371Met). This variant is not present in population databases (gnomAD no frequency). This variant has not been reported in the literature in individuals affected with CLCN7-related conditions. An algorithm developed to predict the effect of missense changes on protein structure and function (PolyPhen-2) suggests that this variant is likely to be tolerated. In summary, the available evidence is currently insufficient to determine the role of this variant in disease. Therefore, it has been classified as a Variant of Uncertain Significance.

NM_001287.6(CLCN7):c.1112C>T (p.Thr371Met)

Gene: CLCN7 (Cl-/H+ antiporter 7; minus strand). Cytogenetic location: 16p13.3.
Variant type: single nucleotide variant.
Coding change: c.1112C>T on transcript NM_001287.6 (MANE Select); coding-DNA position 1112, C replaced by T.
Protein change: p.Thr371Met; replaces threonine 371 with methionine.
Molecular consequence: missense variant.
Genome position (GRCh38, 1-based): chr16:1,454,452, G>A on the plus strand (C>T on the coding strand, the complement: CLCN7 is on the minus strand). VCF-style: chr16-1454452-G-A. GRCh37 (hg19) VCF-style: chr16-1504453-G-A.
Other names: c.1040C>T, p.Thr347Met (NM_001114331.3); short protein forms T347M, T371M.
Identifiers: ClinVar variation 4229498 (VCV004229498.2).